The following is an entry in ClinVar:

NM_182914.3(SYNE2):c.8272C>T (p.Pro2758Ser)

Gene: SYNE2 (spectrin repeat containing nuclear envelope protein 2; plus strand). Cytogenetic location: 14q23.2.
Variant type: single nucleotide variant.
Coding change: c.8272C>T on transcript NM_182914.3 (MANE Select); coding-DNA position 8272, C replaced by T.
Protein change: p.Pro2758Ser; replaces proline 2758 with serine.
Molecular consequence: missense variant.
Genome position (GRCh38, 1-based): chr14:64,052,185, C>T. VCF-style: chr14-64052185-C-T. GRCh37 (hg19) VCF-style: chr14-64518903-C-T.
Other names: c.8272C>T, p.Pro2758Ser (NM_015180.6); short protein forms P2758S.
Identifiers: ClinVar variation 548613 (VCV000548613.7), dbSNP rs771389608, ClinGen allele CA7221080.

ClinVar aggregate classification (germline): Uncertain significance. Review status: criteria provided, multiple submitters, no conflicts (2 of 4 stars). 2 submissions from 2 submitters: Uncertain significance (2). Last evaluated 2024-04-23.

Conditions:
Emery-Dreifuss muscular dystrophy 5, autosomal dominant (EDMD5). Also called: EMERY-DREIFUSS MUSCULAR DYSTROPHY 5. Identifiers: Orphanet 261, MedGen C2751805, MONDO:0013072, OMIM 612999.

Allele frequency attached by ClinVar (database versions not stated): gnomAD exomes below 0.00001; ExAC 0.00001.
gnomAD v4.1: 5 of 1,614,114 alleles (0.00031%); highest among the groups gnomAD compares: Middle Eastern, 0.016%; no homozygotes.

Submissions (2):

Labcorp Genetics (formerly Invitae), Labcorp
Classification: Uncertain significance for Emery-Dreifuss muscular dystrophy 5, autosomal dominant. Last evaluated: 2024-04-23. Review status: criteria provided, single submitter. Criteria: Invitae Variant Classification Sherloc (09022015). Collection method: clinical testing. Allele origin: germline.
Comment: This sequence change replaces proline, which is neutral and non-polar, with serine, which is neutral and polar, at codon 2758 of the SYNE2 protein (p.Pro2758Ser). This variant is present in population databases (rs771389608, gnomAD 0.0009%). This variant has not been reported in the literature in individuals affected with SYNE2-related conditions. ClinVar contains an entry for this variant (Variation ID: 548613). An algorithm developed to predict the effect of missense changes on protein structure and function (PolyPhen-2) suggests that this variant is likely to be disruptive. In summary, the available evidence is currently insufficient to determine the role of this variant in disease. Therefore, it has been classified as a Variant of Uncertain Significance.

Genomic Research Center, Shahid Beheshti University of Medical Sciences
Classification: Uncertain significance for Emery-Dreifuss muscular dystrophy 5, autosomal dominant. Last evaluated: 2018-03-05. Review status: criteria provided, single submitter. Criteria: ACMG Guidelines, 2015. Collection method: clinical testing. Allele origin: inherited. Affected: yes. Observed: 1 variant allele.